The following is an entry in ClinVar:

ClinVar aggregate classification (germline): Conflicting classifications of pathogenicity. Review status: criteria provided, conflicting classifications (1 of 4 stars). 2 submissions from 2 submitters: Pathogenic (1); Uncertain significance (1). Last evaluated 2021-07-06.

Conditions:
Deafness-lymphedema-leukemia syndrome. Also called: Lymphedema, primary, with myelodysplasia; Emberger syndrome. Identifiers: Orphanet 3226, MedGen C3279664, MONDO:0013540, OMIM 614038.
GATA2 deficiency with susceptibility to MDS/AML. Identifiers: MedGen CN300066, MONDO:0042982.

Submissions (2):

Molecular Pathology Research Laboratory, SA Pathology
Classification: Pathogenic for GATA2 deficiency with susceptibility to MDS/AML; Deafness-lymphedema-leukemia syndrome. Last evaluated: 2021-07-06. Review status: criteria provided, single submitter. Criteria: ACMG Guidelines, 2015. Collection method: curation. Allele origin: germline. Inheritance: Autosomal dominant inheritance. Affected: yes. Observed: 8 variant alleles. Clinical features observed: Myelodysplasia, Acute Myeloid Leukemia, Immunodeficiency, Hematological abnormality.
Comment: PS1, PS4, PM2, PP1_Moderate, PP3

PreventionGenetics, part of Exact Sciences
Classification: Uncertain significance. Last evaluated: 2014-04-09. Review status: criteria provided, single submitter. Criteria: ACMG Guidelines, 2015. Collection method: clinical testing. Allele origin: germline.

Literature cited by the submitters: PubMed 31256854 (cited by Molecular Pathology Research Laboratory, SA Pathology); PubMed 25619630 (cited by Molecular Pathology Research Laboratory, SA Pathology).

NM_032638.5(GATA2):c.1339A>C (p.Ser447Arg)

Gene: GATA2 (GATA binding protein 2; minus strand). Cytogenetic location: 3q21.3.
Variant type: single nucleotide variant.
Coding change: c.1339A>C on transcript NM_032638.5 (MANE Select); coding-DNA position 1339, A replaced by C.
Protein change: p.Ser447Arg; replaces serine 447 with arginine.
Molecular consequence: missense variant.
Genome position (GRCh38, 1-based): chr3:128,481,123, T>G on the plus strand (A>C on the coding strand, the complement: GATA2 is on the minus strand). VCF-style: chr3-128481123-T-G. GRCh37 (hg19) VCF-style: chr3-128199966-T-G.
Other names: c.1339A>C, p.Ser447Arg (NM_001145661.2); c.1297A>C, p.Ser433Arg (NM_001145662.1); short protein forms S433R, S447R.
Identifiers: ClinVar variation 800684 (VCV000800684.3), dbSNP rs1576744275, ClinGen allele CA354412712.